The following is an entry in ClinVar:

ClinVar aggregate classification (germline): Conflicting classifications of pathogenicity. Review status: criteria provided, conflicting classifications (1 of 4 stars). 5 submissions from 4 submitters: Uncertain significance (2); Likely benign (3). Last evaluated 2026-06-05.

Conditions:
TECTA-related disorder. Also called: TECTA-related condition.
Autosomal dominant nonsyndromic hearing loss 12. Also called: DEAFNESS, AUTOSOMAL DOMINANT 8. Identifiers: Orphanet 90635, MedGen C1832187, MONDO:0011102, OMIM 601543.
Autosomal recessive nonsyndromic hearing loss 21. Identifiers: Orphanet 90636, MedGen C1863655, MONDO:0011351, OMIM 603629.

Allele frequency attached by ClinVar (database versions not stated): gnomAD exomes 0.00006 and 0.00012; TOPMed 0.00008; ExAC 0.00013; ESP Exome Variant Server 0.00015; gnomAD 0.00006.

Submissions (5):

Women's Health and Genetics/Laboratory Corporation of America, LabCorp
Classification: Likely benign. Last evaluated: 2026-06-05. Review status: criteria provided, single submitter. Criteria: LabCorp Variant Classification Summary - May 2015. Collection method: clinical testing. Allele origin: germline.
Comment: Variant summary: TECTA c.4594G>A (p.Asp1532Asn) results in a conservative amino acid change in the encoded protein sequence. Algorithms developed to predict the effect of missense changes on protein structure and function are either unavailable or do not agree on the potential impact of this missense change. The variant allele was found at a frequency of 6.1e-05 in 1614048 control chromosomes, predominantly at a frequency of 0.0026 within the Ashkenazi Jewish subpopulation in the gnomAD database. The observed variant frequency within Ashkenazi Jewish control individuals in the gnomAD database exceeds the estimated maximal expected allele frequency for disease-causing variants in TECTA. To our knowledge, no occurrence of c.4594G>A in individuals affected with TECTA-related conditions and no experimental evidence demonstrating its impact on protein function have been reported. ClinVar contains an entry for this variant (Variation ID: 879734). Based on the evidence outlined above, the variant was classified as likely benign.

PreventionGenetics, part of Exact Sciences
Classification: Likely benign for TECTA-related condition. Last evaluated: 2025-10-23. Review status: criteria provided, single submitter. Criteria: ACMG Guidelines, 2015. Collection method: clinical testing. Allele origin: germline.
Comment: This variant is classified as likely benign based on ACMG/AMP sequence variant interpretation guidelines (Richards et al. 2015 PMID: 25741868, with internal and published modifications).

Labcorp Genetics (formerly Invitae), Labcorp
Classification: Likely benign. Last evaluated: 2025-07-07. Review status: criteria provided, single submitter. Criteria: Invitae Variant Classification Sherloc (09022015). Collection method: clinical testing. Allele origin: germline.

Illumina Laboratory Services, Illumina
Classification: Uncertain significance for Autosomal recessive nonsyndromic hearing loss 21. Last evaluated: 2018-01-13. Review status: criteria provided, single submitter. Criteria: ICSL Variant Classification Criteria 13 December 2019. Collection method: clinical testing. Allele origin: germline.

Illumina Laboratory Services, Illumina
Classification: Uncertain significance for Autosomal dominant nonsyndromic hearing loss 12. Last evaluated: 2018-01-13. Review status: criteria provided, single submitter. Criteria: ICSL Variant Classification Criteria 13 December 2019. Collection method: clinical testing. Allele origin: germline.

NM_005422.4(TECTA):c.4594G>A (p.Asp1532Asn)

Genes: TBCEL-TECTA (TBCEL-TECTA readthrough; plus strand), TECTA (tectorin alpha; plus strand). Cytogenetic location: 11q23.3.
Variant type: single nucleotide variant.
Coding change: c.4594G>A on transcript NM_005422.4 (MANE Select); coding-DNA position 4594, G replaced by A.
Protein change: p.Asp1532Asn; replaces aspartic acid 1532 with asparagine.
Molecular consequence: missense variant.
Genome position (GRCh38, 1-based): chr11:121,158,129, G>A. VCF-style: chr11-121158129-G-A. GRCh37 (hg19) VCF-style: chr11-121028838-G-A.
Other names: short protein forms D1532N.
Identifiers: ClinVar variation 879734 (VCV000879734.13), dbSNP rs199809873, ClinGen allele CA6327496.
Genomic context (GRCh38, chr11:121,158,129, plus strand): 5'-GTGCTGTCCACCATCTGCCAGAAACTGCCCGACATCTCCTTCCAGCTTATCATCAACTTC[G>A]ACAAGTGGTCGGCCCCCAACCTCACCATCATTTCGCCCGTCTACTTCTACATTAACGAAG-3'
Protein context (NP_005413.2, residues 1522-1542): DISFQLIINF[Asp1532Asn]KWSAPNLTII